The following is an entry in ClinVar:

ClinVar aggregate classification (germline): Likely benign. Review status: criteria provided, multiple submitters, no conflicts (2 of 4 stars). 3 submissions from 3 submitters: Likely benign (2). 1 of the submissions does not count toward it. Last evaluated 2026-01-17.

Conditions:
TERT-related disorder. Also called: TERT-related disorders; TERT-related condition.
Dyskeratosis congenita. Identifiers: Orphanet 1775, MedGen C0265965, MONDO:0015780.
Idiopathic Pulmonary Fibrosis. Also called: Idiopathic fibrosing alveolitis, chronic form; idiopathic fibrosing alveolitis. Identifiers: Orphanet 2032, MedGen C1800706, MeSH D054990, MONDO:0800504.
Dyskeratosis congenita, autosomal dominant 2. Identifiers: MedGen C3151443, MONDO:0013521, OMIM 613989.

Allele frequency attached by ClinVar (database versions not stated): TOPMed below 0.00001; ExAC 0.00002; gnomAD exomes 0.00005.
gnomAD v4.1: 9 of 1,581,624 alleles (0.00057%); highest among the groups gnomAD compares: Admixed American, 0.016%; no homozygotes.

Submissions (3):

Labcorp Genetics (formerly Invitae), Labcorp
Classification: Likely benign for Dyskeratosis congenita, autosomal dominant 2; Idiopathic Pulmonary Fibrosis. Last evaluated: 2026-01-17. Review status: criteria provided, single submitter. Criteria: Invitae Variant Classification Sherloc (09022015). Collection method: clinical testing. Allele origin: germline.

Ambry Genetics
Classification: Likely benign for Dyskeratosis congenita. Last evaluated: 2022-06-22. Review status: criteria provided, single submitter. Criteria: Ambry Variant Classification Scheme 2023. Collection method: clinical testing. Allele origin: germline.

PreventionGenetics, part of Exact Sciences
Classification: Likely benign for TERT-related condition. Last evaluated: 2023-04-09. Review status: no assertion criteria provided. Collection method: clinical testing. Allele origin: germline. Not counted in ClinVar's aggregate classification.
Comment: This variant is classified as likely benign based on ACMG/AMP sequence variant interpretation guidelines (Richards et al. 2015 PMID: 25741868, with internal and published modifications).

NM_198253.3(TERT):c.555G>C (p.Arg185=)

Gene: TERT (telomerase reverse transcriptase; minus strand). Cytogenetic location: 5p15.33.
Variant type: single nucleotide variant.
Coding change: c.555G>C on transcript NM_198253.3 (MANE Select); coding-DNA position 555, G replaced by C.
Protein change: p.Arg185=; no amino-acid change (arginine 185 retained).
Molecular consequence: synonymous variant. On other transcripts: non-coding transcript variant (2).
Genome position (GRCh38, 1-based): chr5:1,294,331, C>G on the plus strand (G>C on the coding strand, the complement: TERT is on the minus strand). VCF-style: chr5-1294331-C-G. GRCh37 (hg19) VCF-style: chr5-1294446-C-G.
Other names: c.555G>C, p.Arg185= (NM_001193376.3).
Identifiers: ClinVar variation 471896 (VCV000471896.16), dbSNP rs777633830, ClinGen allele CA3184957.